The following is an entry in ClinVar:

ClinVar aggregate classification (germline): Uncertain significance. Review status: criteria provided, multiple submitters, no conflicts (2 of 4 stars). 3 submissions from 3 submitters: Uncertain significance (3). Last evaluated 2025-07-24.

Conditions:
Autosomal recessive nonsyndromic hearing loss 30. Identifiers: Orphanet 90636, MedGen C1846784, MONDO:0011774, OMIM 607101.
Inborn genetic diseases. Identifiers: MedGen C0950123, MeSH D030342.

Allele frequency attached by ClinVar (database versions not stated): gnomAD below 0.00001 and 0.00001; TOPMed 0.00002; gnomAD exomes 0.00006 and 0.00016; 1000 Genomes Project 30x 0.00016; ExAC 0.00016; 1000 Genomes Project 0.00020.
gnomAD v4.1: 96 of 1,614,082 alleles (0.0059%); highest among the groups gnomAD compares: South Asian, 0.1%; 1 homozygote.

Submissions (3):

Labcorp Genetics (formerly Invitae), Labcorp
Classification: Uncertain significance. Last evaluated: 2025-07-24. Review status: criteria provided, single submitter. Criteria: Invitae Variant Classification Sherloc (09022015). Collection method: clinical testing. Allele origin: germline.
Comment: This sequence change replaces glycine, which is neutral and non-polar, with aspartic acid, which is acidic and polar, at codon 313 of the MYO3A protein (p.Gly313Asp). This variant is present in population databases (rs527881627, gnomAD 0.1%). This variant has not been reported in the literature in individuals affected with MYO3A-related conditions. ClinVar contains an entry for this variant (Variation ID: 299650). Invitae Evidence Modeling of protein sequence and biophysical properties (such as structural, functional, and spatial information, amino acid conservation, physicochemical variation, residue mobility, and thermodynamic stability) indicates that this missense variant is not expected to disrupt MYO3A protein function with a negative predictive value of 80%. In summary, the available evidence is currently insufficient to determine the role of this variant in disease. Therefore, it has been classified as a Variant of Uncertain Significance.

Ambry Genetics
Classification: Uncertain significance for Inborn genetic diseases. Last evaluated: 2023-10-25. Review status: criteria provided, single submitter. Criteria: Ambry Variant Classification Scheme 2023. Collection method: clinical testing. Allele origin: germline.

Illumina Laboratory Services, Illumina
Classification: Uncertain significance for Autosomal recessive nonsyndromic hearing loss 30. Last evaluated: 2018-01-13. Review status: criteria provided, single submitter. Criteria: ICSL Variant Classification Criteria 13 December 2019. Collection method: clinical testing. Allele origin: germline.

NM_017433.5(MYO3A):c.938G>A (p.Gly313Asp)

Gene: MYO3A (myosin IIIA; plus strand). Cytogenetic location: 10p12.1.
Variant type: single nucleotide variant.
Coding change: c.938G>A on transcript NM_017433.5 (MANE Select); coding-DNA position 938, G replaced by A.
Protein change: p.Gly313Asp; replaces glycine 313 with aspartic acid.
Molecular consequence: missense variant.
Genome position (GRCh38, 1-based): chr10:26,026,517, G>A. VCF-style: chr10-26026517-G-A. GRCh37 (hg19) VCF-style: chr10-26315446-G-A.
Other names: short protein forms G313D.
Identifiers: ClinVar variation 299650 (VCV000299650.8), dbSNP rs527881627, ClinGen allele CA5444482.
Genomic context (GRCh38, chr10:26,026,517, plus strand): 5'-AAGATGTGATGCTACAAAAACAACTAACGGAATTCATTGGCATCCATCAATGCATGGGAG[G>A]CACAGAAAAGGCCAGGTAATCAAATAATATCTTGATTCCAAAATCCAGAGATTATTGAAA-3'
Protein context (NP_059129.3, residues 303-323): EFIGIHQCMG[Gly313Asp]TEKARRERIH